The following is an entry in ClinVar:

NM_003331.5(TYK2):c.466-3C>T

Gene: TYK2 (tyrosine kinase 2; minus strand). Cytogenetic location: 19p13.2.
Variant type: single nucleotide variant.
Coding change: c.466-3C>T on transcript NM_003331.5 (MANE Select); 3 bases into the intron before coding-DNA position 466, C replaced by T.
Molecular consequence: intron variant.
Genome position (GRCh38, 1-based): chr19:10,366,583, G>A on the plus strand (C>T on the coding strand, the complement: TYK2 is on the minus strand). VCF-style: chr19-10366583-G-A. GRCh37 (hg19) VCF-style: chr19-10477259-G-A.
Identifiers: ClinVar variation 859174 (VCV000859174.6), dbSNP rs375238658, ClinGen allele CA9193715.

ClinVar aggregate classification (germline): Uncertain significance (1 of 4 stars; one submission).

Conditions:
Immunodeficiency 35 (IMD35). Also called: TYK2 DEFICIENCY; HIES WITH ATYPICAL MYCOBACTERIOSIS, AUTOSOMAL RECESSIVE; HYPER-IgE SYNDROME WITH ATYPICAL MYCOBACTERIOSIS, AUTOSOMAL RECESSIVE; Susceptibility to infection due to TYK2 deficiency. Identifiers: Orphanet 331226, MedGen C1969086, MONDO:0012682, OMIM 611521.

Allele frequency attached by ClinVar (database versions not stated): gnomAD exomes 0.00001 and 0.00005; ExAC 0.00004; gnomAD 0.00012 and 0.00014; ESP Exome Variant Server 0.00015; TOPMed 0.00016.

Submission:

Labcorp Genetics (formerly Invitae), Labcorp
Classification: Uncertain significance for Immunodeficiency 35. Last evaluated: 2024-10-26. Review status: criteria provided, single submitter. Criteria: Invitae Variant Classification Sherloc (09022015). Collection method: clinical testing. Allele origin: germline.
Comment: This sequence change falls in intron 5 of the TYK2 gene. It does not directly change the encoded amino acid sequence of the TYK2 protein. It affects a nucleotide within the consensus splice site. This variant is present in population databases (rs375238658, gnomAD 0.05%). This variant has not been reported in the literature in individuals affected with TYK2-related conditions. ClinVar contains an entry for this variant (Variation ID: 859174). Variants that disrupt the consensus splice site are a relatively common cause of aberrant splicing (PMID: 17576681, 9536098). Algorithms developed to predict the effect of sequence changes on RNA splicing suggest that this variant is not likely to affect RNA splicing. In summary, the available evidence is currently insufficient to determine the role of this variant in disease. Therefore, it has been classified as a Variant of Uncertain Significance.

Literature cited by the submitters: PubMed 17576681; PubMed 9536098.